The following is an entry in ClinVar:

NM_001349338.3(FOXP1):c.26C>A (p.Thr9Lys)

Gene: FOXP1 (forkhead box P1; minus strand). Cytogenetic location: 3p13.
Variant type: single nucleotide variant.
Coding change: c.26C>A on transcript NM_001349338.3 (MANE Select); coding-DNA position 26, C replaced by A.
Protein change: p.Thr9Lys; replaces threonine 9 with lysine.
Molecular consequence: missense variant. On other transcripts: non-coding transcript variant (2).
Genome position (GRCh38, 1-based): chr3:71,198,356, G>T on the plus strand (C>A on the coding strand, the complement: FOXP1 is on the minus strand). VCF-style: chr3-71198356-G-T. GRCh37 (hg19) VCF-style: chr3-71247507-G-T.
Other names: c.26C>A, p.Thr9Lys (NM_001012505.2, NM_001244808.3, NM_001244810.2 and 7 more transcripts); short protein forms T9K.
Identifiers: ClinVar variation 2859245 (VCV002859245.3), dbSNP rs2108382467, ClinGen allele CA353565284.

ClinVar aggregate classification (germline): Uncertain significance (1 of 4 stars; one submission).

Submission:

Labcorp Genetics (formerly Invitae), Labcorp
Classification: Uncertain significance. Last evaluated: 2023-04-25. Review status: criteria provided, single submitter. Criteria: Invitae Variant Classification Sherloc (09022015). Collection method: clinical testing. Allele origin: germline.
Comment: This variant is not present in population databases (gnomAD no frequency). This sequence change replaces threonine, which is neutral and polar, with lysine, which is basic and polar, at codon 9 of the FOXP1 protein (p.Thr9Lys). This variant has not been reported in the literature in individuals affected with FOXP1-related conditions. In summary, the available evidence is currently insufficient to determine the role of this variant in disease. Therefore, it has been classified as a Variant of Uncertain Significance. Advanced modeling of protein sequence and biophysical properties (such as structural, functional, and spatial information, amino acid conservation, physicochemical variation, residue mobility, and thermodynamic stability) has been performed at Invitae for this missense variant, however the output from this modeling did not meet the statistical confidence thresholds required to predict the impact of this variant on FOXP1 protein function.